The following is an entry in ClinVar:

NM_012418.4(FSCN2):c.821G>A (p.Arg274Gln)

Gene: FSCN2 (fascin actin-bundling protein 2, retinal; plus strand). Cytogenetic location: 17q25.3.
Variant type: single nucleotide variant.
Coding change: c.821G>A on transcript NM_012418.4 (MANE Select); coding-DNA position 821, G replaced by A.
Protein change: p.Arg274Gln; replaces arginine 274 with glutamine.
Molecular consequence: missense variant.
Genome position (GRCh38, 1-based): chr17:81,529,352, G>A. VCF-style: chr17-81529352-G-A. GRCh37 (hg19) VCF-style: chr17-79496378-G-A.
Other names: c.821G>A, p.Arg274Gln (NM_001077182.3); short protein forms R274Q.
Identifiers: ClinVar variation 1399455 (VCV001399455.8), dbSNP rs782605450, ClinGen allele CA8836785.
Genomic context (GRCh38, chr17:81,529,352, plus strand): 5'-TGGAGGAGAGTCACCCACAGGTGGTGCTGGTGGCTGCCAACCACCGCTACGTCTCTGTGC[G>A]GCAAGGTAGGGAGGGCACAGGTGGCGACCTCCTGAGGGGTGCTGGGACCCCCCTGCTTCA-3'
Protein context (NP_036550.1, residues 264-284): VAANHRYVSV[Arg274Gln]QGVNVSANQD

ClinVar aggregate classification (germline): Uncertain significance (1 of 4 stars; one submission).

Allele frequency attached by ClinVar (database versions not stated): ExAC 0.00002; gnomAD exomes 0.00002 and 0.00005; TOPMed 0.00002.
gnomAD v4.1: 31 of 1,539,852 alleles (0.002%); highest among the groups gnomAD compares: Admixed American, 0.0095%; no homozygotes.

Submission:

Labcorp Genetics (formerly Invitae), Labcorp
Classification: Uncertain significance. Last evaluated: 2021-07-22. Review status: criteria provided, single submitter. Criteria: Invitae Variant Classification Sherloc (09022015). Collection method: clinical testing. Allele origin: germline.
Comment: Algorithms developed to predict the effect of sequence changes on RNA splicing suggest that this variant may create or strengthen a splice site. In summary, the available evidence is currently insufficient to determine the role of this variant in disease. Therefore, it has been classified as a Variant of Uncertain Significance. Algorithms developed to predict the effect of missense changes on protein structure and function are either unavailable or do not agree on the potential impact of this missense change (SIFT: "Deleterious"; PolyPhen-2: "Probably Damaging"; Align-GVGD: "Class C0"). This variant has not been reported in the literature in individuals affected with FSCN2-related conditions. This variant is present in population databases (rs782605450, ExAC 0.003%). This sequence change replaces arginine with glutamine at codon 274 of the FSCN2 protein (p.Arg274Gln). The arginine residue is moderately conserved and there is a small physicochemical difference between arginine and glutamine.